The following is an entry in ClinVar:

NM_001277115.2(DNAH11):c.12986A>T (p.Tyr4329Phe)

Gene: DNAH11 (dynein axonemal heavy chain 11; plus strand). Cytogenetic location: 7p15.3.
Variant type: single nucleotide variant.
Coding change: c.12986A>T on transcript NM_001277115.2 (MANE Select); coding-DNA position 12986, A replaced by T.
Protein change: p.Tyr4329Phe; replaces tyrosine 4329 with phenylalanine.
Molecular consequence: missense variant.
Genome position (GRCh38, 1-based): chr7:21,894,936, A>T. VCF-style: chr7-21894936-A-T. GRCh37 (hg19) VCF-style: chr7-21934554-A-T.
Other names: short protein forms Y4329F.
Identifiers: ClinVar variation 568842 (VCV000568842.11), dbSNP rs1562608827, ClinGen allele CA366954890.

ClinVar aggregate classification (germline): Uncertain significance. Review status: criteria provided, multiple submitters, no conflicts (2 of 4 stars). 2 submissions from 2 submitters: Uncertain significance (2). Last evaluated 2018-06-19.

Conditions:
Primary ciliary dyskinesia. Also called: Ciliary dyskinesia. Identifiers: Orphanet 244, MedGen C0008780, MONDO:0016575, HP:0012265.

gnomAD v4.1: 17 of 1,613,982 alleles (0.0011%); highest among the groups gnomAD compares: Non-Finnish European, 0.0014%; no homozygotes.

Submissions (2):

Labcorp Genetics (formerly Invitae), Labcorp
Classification: Uncertain significance for Primary ciliary dyskinesia. Last evaluated: 2018-06-19. Review status: criteria provided, single submitter. Criteria: Invitae Variant Classification Sherloc (09022015). Collection method: clinical testing. Allele origin: germline.
Comment: This sequence change replaces tyrosine with phenylalanine at codon 4329 of the DNAH11 protein (p.Tyr4329Phe). The tyrosine residue is moderately conserved and there is a small physicochemical difference between tyrosine and phenylalanine. This variant has not been reported in the literature in individuals with DNAH11-related disease. This variant is not present in population databases (ExAC no frequency). In summary, the available evidence is currently insufficient to determine the role of this variant in disease. Therefore, it has been classified as a Variant of Uncertain Significance. Algorithms developed to predict the effect of missense changes on protein structure and function (SIFT, PolyPhen-2, Align-GVGD) all suggest that this variant is likely to be tolerated, but these predictions have not been confirmed by published functional studies and their clinical significance is uncertain.

Ambry Genetics
Classification: Uncertain significance for Primary ciliary dyskinesia. Last evaluated: 2018-04-12. Review status: criteria provided, single submitter. Criteria: Ambry Variant Classification Scheme 2023. Collection method: clinical testing. Allele origin: germline.
Comment: The p.Y4329F variant (also known as c.12986A>T), located in coding exon 79 of the DNAH11 gene, results from an A to T substitution at nucleotide position 12986. The tyrosine at codon 4329 is replaced by phenylalanine, an amino acid with highly similar properties. This amino acid position is not well conserved in available vertebrate species. In addition, this alteration is predicted to be tolerated by SIFT in silico analysis. Since supporting evidence is limited at this time, the clinical significance of this alteration remains unclear.